The following is an entry in ClinVar:

NM_001276345.2(TNNT2):c.42-6T>C

Gene: TNNT2 (troponin T2, cardiac type; minus strand). Cytogenetic location: 1q32.1.
Variant type: single nucleotide variant.
Coding change: c.42-6T>C on transcript NM_001276345.2 (MANE Select); 6 bases into the intron before coding-DNA position 42, T replaced by C.
Molecular consequence: intron variant.
Genome position (GRCh38, 1-based): chr1:201,372,161, A>G on the plus strand (T>C on the coding strand, the complement: TNNT2 is on the minus strand). VCF-style: chr1-201372161-A-G. GRCh37 (hg19) VCF-style: chr1-201341289-A-G.
Other names: c.42-6T>C (NM_001001432.3, NM_001001431.3, NM_001001430.3 and 3 more transcripts).
Identifiers: ClinVar variation 927448 (VCV000927448.14), dbSNP rs1660720268, ClinGen allele CA913189067.
Genomic context (GRCh38, chr1:201,372,161, plus strand): 5'-CCAGGCTGTCTTTGATCCAAATGAGTACACACGTTTACGCTTACCTTCCTGCTCCCTGAG[A>G]GCAACAGGAAACACTGTCAGTAGCTCGCACACAAGCACATGCAAACACACACGCCTGCAC-3'

ClinVar aggregate classification (germline): Likely benign. Review status: criteria provided, multiple submitters, no conflicts (2 of 4 stars). 8 submissions from 6 submitters: Likely benign (6). 2 of the submissions do not count toward it. Last evaluated 2024-12-16.

Conditions:
Dilated cardiomyopathy 1D. Identifiers: Orphanet 154, Orphanet 54260, MedGen C1832243, MONDO:0011095, OMIM 601494.
Hypertrophic cardiomyopathy 2. Also called: TNNT2-Related Familial Hypertrophic Cardiomyopathy. Identifiers: MedGen C1861864, MONDO:0007266, OMIM 115195.
Cardiomyopathy, familial restrictive, 3. Identifiers: Orphanet 75249, MedGen C2676271, MONDO:0012900, OMIM 612422.
Cardiomyopathy (CMYO). Also called: Cardiomyopathies. Identifiers: Orphanet 167848, MedGen C0878544, MONDO:0004994, HP:0001638. Inheritance: Various modes of inheritance.

Allele frequency attached by ClinVar (database versions not stated): gnomAD exomes 0.00001; TOPMed 0.00002.
gnomAD v4.1: 6 of 1,614,190 alleles (0.00037%); highest among the groups gnomAD compares: Non-Finnish European, 0.00042%; no homozygotes.

Submissions (8):

Labcorp Genetics (formerly Invitae), Labcorp
Classification: Likely benign for Cardiomyopathy, familial restrictive, 3; Hypertrophic cardiomyopathy 2; Dilated cardiomyopathy 1D. Last evaluated: 2024-12-16. Review status: criteria provided, single submitter. Criteria: Invitae Variant Classification Sherloc (09022015). Collection method: clinical testing. Allele origin: germline.

All of Us Research Program, National Institutes of Health
Classification: Likely benign for Cardiomyopathy. Last evaluated: 2023-12-13. Review status: criteria provided, single submitter. Criteria: ACMG Guidelines, 2015. Collection method: clinical testing. Allele origin: germline. Inheritance: Autosomal dominant inheritance. Observed: 2 variant alleles, 2 heterozygotes.
Comment: This study involves interpretation of variants in research participants for the purpose of population health screening. Participant phenotype was not available at the time of variant classification. Additional details can be found in publication PMID: 35346344, PMCID: PMC8962531

Genome-Nilou Lab
Classification: Likely benign for Dilated cardiomyopathy 1D. Last evaluated: 2023-04-11. Review status: criteria provided, single submitter. Criteria: ACMG Guidelines, 2015. Collection method: clinical testing. Allele origin: germline. Affected: no.

Genome-Nilou Lab
Classification: Likely benign for Cardiomyopathy, familial restrictive, 3. Last evaluated: 2023-04-11. Review status: criteria provided, single submitter. Criteria: ACMG Guidelines, 2015. Collection method: clinical testing. Allele origin: germline. Affected: no.

Genome-Nilou Lab
Classification: Likely benign for Hypertrophic cardiomyopathy 2. Last evaluated: 2023-04-11. Review status: criteria provided, single submitter. Criteria: ACMG Guidelines, 2015. Collection method: clinical testing. Allele origin: germline. Affected: no.

Color Diagnostics, LLC DBA Color Health
Classification: Likely benign for Cardiomyopathy. Last evaluated: 2018-11-21. Review status: criteria provided, single submitter. Criteria: ACMG Guidelines, 2015. Collection method: clinical testing. Allele origin: germline.

Genome Diagnostics Laboratory, University Medical Center Utrecht
Classification: Likely benign. Review status: no assertion criteria provided. Collection method: clinical testing. Allele origin: germline. Affected: yes. Study: VKGL Data-share Consensus. Not counted in ClinVar's aggregate classification.

Joint Genome Diagnostic Labs from Nijmegen and Maastricht, Radboudumc and MUMC+
Classification: Likely benign. Review status: no assertion criteria provided. Collection method: clinical testing. Allele origin: germline. Affected: yes. Study: VKGL Data-share Consensus. Not counted in ClinVar's aggregate classification.